The following is an entry in ClinVar:

NM_005902.4(SMAD3):c.11T>C (p.Ile4Thr)

Genes: SMAD3 (SMAD family member 3; plus strand), LOC130057352 (ATAC-STARR-seq lymphoblastoid silent region 6574; plus strand). Cytogenetic location: 15q22.33.
Variant type: single nucleotide variant.
Coding change: c.11T>C on transcript NM_005902.4 (MANE Select); coding-DNA position 11, T replaced by C.
Protein change: p.Ile4Thr; replaces isoleucine 4 with threonine.
Molecular consequence: missense variant.
Genome position (GRCh38, 1-based): chr15:67,066,165, T>C. VCF-style: chr15-67066165-T-C. GRCh37 (hg19) VCF-style: chr15-67358503-T-C.
Other names: c.11T>C, p.Ile4Thr (NM_001407011.1, NM_001407012.1, NM_001407013.1); short protein forms I4T.
Identifiers: ClinVar variation 3225165 (VCV003225165.1), dbSNP rs1959910214, ClinGen allele CA393202688.

ClinVar aggregate classification (germline): Uncertain significance (1 of 4 stars; one submission).

Conditions:
Familial thoracic aortic aneurysm and aortic dissection (TAAD). Also called: Thoracic aortic aneurysms and dissections. Identifiers: Orphanet 91387, MedGen C4707243, MONDO:0019625.

Allele frequency attached by ClinVar (database versions not stated): gnomAD exomes below 0.00001.
gnomAD v4.1: 1 of 1,600,512 alleles (0.000062%); highest among the groups gnomAD compares: Non-Finnish European, 0.000085%; no homozygotes.

Submission:

Ambry Genetics
Classification: Uncertain significance for Familial thoracic aortic aneurysm and aortic dissection. Last evaluated: 2024-02-16. Review status: criteria provided, single submitter. Criteria: Ambry Variant Classification Scheme 2023. Collection method: clinical testing. Allele origin: germline.
Comment: The p.I4T variant (also known as c.11T>C), located in coding exon 1 of the SMAD3 gene, results from a T to C substitution at nucleotide position 11. The isoleucine at codon 4 is replaced by threonine, an amino acid with similar properties. This amino acid position is conserved. In addition, this alteration is predicted to be deleterious by in silico analysis. Based on the available evidence, the clinical significance of this alteration remains unclear.